The following is an entry in ClinVar:

NM_001105558.1(WEE2):c.512G>C (p.Gly171Ala)

Genes: WEE2 (WEE2 oocyte meiosis inhibiting kinase; plus strand), WEE2-AS1 (WEE2 antisense RNA 1; minus strand). Cytogenetic location: 7q34.
Variant type: single nucleotide variant.
Coding change: c.512G>C on transcript NM_001105558.1 (MANE Select); coding-DNA position 512, G replaced by C.
Protein change: p.Gly171Ala; replaces glycine 171 with alanine.
Molecular consequence: missense variant.
Genome position (GRCh38, 1-based): chr7:141,714,378, G>C. VCF-style: chr7-141714378-G-C. GRCh37 (hg19) VCF-style: chr7-141414178-G-C.
Other names: short protein forms G171A.
Identifiers: ClinVar variation 4084786 (VCV004084786.8).

ClinVar aggregate classification (germline): Uncertain significance (1 of 4 stars; one submission).

gnomAD v4.1: 25 of 1,611,112 alleles (0.0016%); highest among the groups gnomAD compares: Middle Eastern, 0.017%; no homozygotes.

Submission:

CeGaT Center for Human Genetics Tuebingen
Classification: Uncertain significance. Last evaluated: 2025-07-01. Review status: criteria provided, single submitter. Criteria: CeGaT Center For Human Genetics Tuebingen Variant Classification Criteria Version 2. Collection method: clinical testing. Allele origin: germline. Affected: yes. Observed: 1 variant allele.
Comment: WEE2: PM2, BP4